The following is an entry in ClinVar:

NM_000349.3(STAR):c.349_353delinsTATAAGAGACAGT (p.Gly117fs)

Gene: STAR (steroidogenic acute regulatory protein; minus strand). Cytogenetic location: 8p11.23.
Variant type: Indel.
Coding change: c.349_353delinsTATAAGAGACAGT on transcript NM_000349.3 (MANE Select); coding-DNA positions 349 to 353, GGCAA replaced by TATAAGAGACAGT.
Protein change: p.Gly117fs; shifts the reading frame from glycine 117.
Molecular consequence: frameshift variant.
Genome position (GRCh38, 1-based): chr8:38,146,401-38,146,405, TTGCC replaced by ACTGTCTCTTATA on the plus strand (GGCAA replaced by TATAAGAGACAGT on the coding strand, the reverse complement: STAR is on the minus strand). VCF-style: chr8-38146401-TTGCC-ACTGTCTCTTATA. GRCh37 (hg19) VCF-style: chr8-38003919-TTGCC-ACTGTCTCTTATA.
Other names: short protein forms G117fs.
Identifiers: ClinVar variation 5011306 (VCV005011306.1).

ClinVar aggregate classification (germline): Pathogenic (1 of 4 stars; one submission).

Conditions:
Congenital lipoid adrenal hyperplasia due to STAR deficency. Also called: ADRENAL HYPERPLASIA I; Cholesterol monooxygenase (side-chain cleaving) deficiency; Congenital Lipoid Adrenal Hyperplasia; Lipoid adrenal hyperplasia. Identifiers: Orphanet 418, Orphanet 90790, MedGen C0342474, MONDO:0008725, OMIM 201710.

Submission:

Myriad Genetics, Inc.
Classification: Pathogenic for Congenital lipoid adrenal hyperplasia due to STAR deficency. Last evaluated: 2023-08-10. Review status: criteria provided, single submitter. Criteria: Myriad Autosomal Dominant, Autosomal Recessive and X-Linked Classification Criteria (2023). Collection method: clinical testing. Allele origin: unknown.
Comment: NM_000349.2(STAR):c.349_353del5ins13(G117Yfs*72) is expected to be pathogenic in the context of lipoid congenital adrenal hyperplasia. This variant is predicted to lead to an abnormal or absent protein product due to the creation of a premature termination codon in STAR, a gene where loss-of-function variants are known to be pathogenic. Please note: this variant was assessed in the context of healthy population screening.